The following is an entry in ClinVar:

ClinVar aggregate classification (germline): Uncertain significance (1 of 4 stars; one submission).

Conditions:
Encephalopathy, acute, infection-induced (herpes-specific), susceptibility to, 6. Also called: Herpes simplex encephalitis, susceptibility to, 4. Identifiers: Orphanet 1930, MedGen C3553869, MONDO:0013921, OMIM 614850.

Submission:

Labcorp Genetics (formerly Invitae), Labcorp
Classification: Uncertain significance for Encephalopathy, acute, infection-induced (herpes-specific), susceptibility to, 6. Last evaluated: 2022-06-04. Review status: criteria provided, single submitter. Criteria: Invitae Variant Classification Sherloc (09022015). Collection method: clinical testing. Allele origin: germline.
Comment: In summary, the available evidence is currently insufficient to determine the role of this variant in disease. Therefore, it has been classified as a Variant of Uncertain Significance. Algorithms developed to predict the effect of sequence changes on RNA splicing suggest that this variant may create or strengthen a splice site. Algorithms developed to predict the effect of missense changes on protein structure and function (SIFT, PolyPhen-2, Align-GVGD) all suggest that this variant is likely to be tolerated. ClinVar contains an entry for this variant (Variation ID: 639799). This variant has not been reported in the literature in individuals affected with TICAM1-related conditions. This variant is not present in population databases (gnomAD no frequency). This sequence change replaces alanine, which is neutral and non-polar, with glycine, which is neutral and non-polar, at codon 149 of the TICAM1 protein (p.Ala149Gly).

NM_182919.4(TICAM1):c.446C>G (p.Ala149Gly)

Gene: TICAM1 (TIR domain containing adaptor molecule 1; minus strand). Cytogenetic location: 19p13.3.
Variant type: single nucleotide variant.
Coding change: c.446C>G on transcript NM_182919.4 (MANE Select); coding-DNA position 446, C replaced by G.
Protein change: p.Ala149Gly; replaces alanine 149 with glycine.
Molecular consequence: missense variant. On other transcripts: intron variant (1).
Genome position (GRCh38, 1-based): chr19:4,817,932, G>C on the plus strand (C>G on the coding strand, the complement: TICAM1 is on the minus strand). VCF-style: chr19-4817932-G-C. GRCh37 (hg19) VCF-style: chr19-4817944-G-C.
Other names: c.404C>G, p.Ala135Gly (NM_001385678.1); c.311C>G, p.Ala104Gly (NM_001385679.1); c.-71-126C>G (NM_001385680.1); short protein forms A149G, A104G, A135G.
Identifiers: ClinVar variation 639799 (VCV000639799.9), dbSNP rs1599143486, ClinGen allele CA403492639.